The following is an entry in ClinVar:

ClinVar aggregate classification (germline): Uncertain significance (1 of 4 stars; one submission).

Conditions:
Combined immunodeficiency due to DOCK8 deficiency (HIES2). Also called: HYPER-IgE SYNDROME 2, AUTOSOMAL RECESSIVE, WITH RECURRENT INFECTIONS; HIES autosomal recessive; HYPER-IgE RECURRENT INFECTION SYNDROME 2, AUTOSOMAL RECESSIVE; Hyper-IgE recurrent infection syndrome, autosomal recessive; DOCK8 Deficiency. Identifiers: Orphanet 217390, MedGen C4722305, MONDO:0009478, OMIM 243700.

Allele frequency attached by ClinVar (database versions not stated): gnomAD exomes below 0.00001.
gnomAD v4.1: 2 of 1,613,856 alleles (0.00012%); highest among the groups gnomAD compares: South Asian, 0.0022%; no homozygotes.

Submission:

Labcorp Genetics (formerly Invitae), Labcorp
Classification: Uncertain significance for Combined immunodeficiency due to DOCK8 deficiency. Last evaluated: 2024-01-18. Review status: criteria provided, single submitter. Criteria: Invitae Variant Classification Sherloc (09022015). Collection method: clinical testing. Allele origin: germline.
Comment: This sequence change replaces serine, which is neutral and polar, with arginine, which is basic and polar, at codon 595 of the DOCK8 protein (p.Ser595Arg). This variant is not present in population databases (gnomAD no frequency). This variant has not been reported in the literature in individuals affected with DOCK8-related conditions. Advanced modeling of protein sequence and biophysical properties (such as structural, functional, and spatial information, amino acid conservation, physicochemical variation, residue mobility, and thermodynamic stability) performed at Invitae indicates that this missense variant is not expected to disrupt DOCK8 protein function with a negative predictive value of 80%. In summary, the available evidence is currently insufficient to determine the role of this variant in disease. Therefore, it has been classified as a Variant of Uncertain Significance.

NM_203447.4(DOCK8):c.1785C>A (p.Ser595Arg)

Gene: DOCK8 (dedicator of cytokinesis 8; plus strand). Cytogenetic location: 9p24.3.
Variant type: single nucleotide variant.
Coding change: c.1785C>A on transcript NM_203447.4 (MANE Select); coding-DNA position 1785, C replaced by A.
Protein change: p.Ser595Arg; replaces serine 595 with arginine.
Molecular consequence: missense variant.
Genome position (GRCh38, 1-based): chr9:368,123, C>A. VCF-style: chr9-368123-C-A. GRCh37 (hg19) VCF-style: chr9-368123-C-A.
Other names: c.1581C>A, p.Ser527Arg (NM_001190458.2, NM_001193536.2); short protein forms S527R, S595R.
Identifiers: ClinVar variation 2696247 (VCV002696247.3), dbSNP rs2538258215, ClinGen allele CA372759685.